The following is an entry in ClinVar:

ClinVar aggregate classification (germline): Likely pathogenic (1 of 4 stars; one submission).

Submission:

CeGaT Center for Human Genetics Tuebingen
Classification: Likely pathogenic. Last evaluated: 2025-12-01. Review status: criteria provided, single submitter. Criteria: CeGaT Center For Human Genetics Tuebingen Variant Classification Criteria Version 2. Collection method: clinical testing. Allele origin: germline. Affected: yes. Observed: 1 variant allele.
Comment: SOX10: PVS1:Strong, PM2

NM_006941.4(SOX10):c.698-11_713del

Genes: POLR2F (RNA polymerase II, I and III subunit F; plus strand), SOX10 (SRY-box transcription factor 10; minus strand). Cytogenetic location: 22q13.1.
Variant type: Deletion.
Coding change: c.698-11_713del on transcript NM_006941.4 (MANE Select); 11 bases into the intron before coding-DNA position 698 through coding-DNA position 713, 27 bases deleted (CTTCTACCCAGGCCAGAGCCATGGCCC).
Molecular consequence: splice acceptor variant. On other transcripts: intron variant (3).
Genome position (GRCh38, 1-based): chr22:37,974,183-37,974,209, GGGCCATGGCTCTGGCCTGGGTAGAAG deleted on the plus strand (CTTCTACCCAGGCCAGAGCCATGGCCC on the coding strand, the reverse complement: SOX10 is on the minus strand); deleting any 27 consecutive bases within chr22:37,974,183-37,974,211 gives the same sequence; the c. name uses the placement nearest the transcript's 3' end. VCF-style (leftmost placement, unchanged base first): chr22-37974182-TGGGCCATGGCTCTGGCCTGGGTAGAAG-T. GRCh37 (hg19) VCF-style: chr22-38370189-TGGGCCATGGCTCTGGCCTGGGTAGAAG-T.
Other names: c.*38+1875_*38+1901del (NM_001363825.1); c.293+7015_293+7041del (NM_001301130.2, NM_001301131.2).
Identifiers: ClinVar variation 4822800 (VCV004822800.4).